The following is an entry in ClinVar:

NM_003560.4(PLA2G6):c.1514G>A (p.Gly505Asp)

Gene: PLA2G6 (phospholipase A2 group VI; minus strand). Cytogenetic location: 22q13.1.
Variant type: single nucleotide variant.
Coding change: c.1514G>A on transcript NM_003560.4 (MANE Select); coding-DNA position 1514, G replaced by A.
Protein change: p.Gly505Asp; replaces glycine 505 with aspartic acid.
Molecular consequence: missense variant.
Genome position (GRCh38, 1-based): chr22:38,123,172, C>T on the plus strand (G>A on the coding strand, the complement: PLA2G6 is on the minus strand). VCF-style: chr22-38123172-C-T. GRCh37 (hg19) VCF-style: chr22-38519179-C-T.
Other names: c.1352G>A, p.Gly451Asp (NM_001004426.3, NM_001199562.3, NM_001349865.2 and 1 more transcripts); c.1514G>A, p.Gly505Asp (NM_001349864.2); c.980G>A, p.Gly327Asp (NM_001349867.2); c.836G>A, p.Gly279Asp (NM_001349868.2); c.818G>A, p.Gly273Asp (NM_001349869.2); short protein forms G451D, G505D, G273D, G327D, G279D.
Identifiers: ClinVar variation 1425058 (VCV001425058.5), dbSNP rs1183054597, ClinGen allele CA411527924.

ClinVar aggregate classification (germline): Uncertain significance (1 of 4 stars; one submission).

Conditions:
Infantile neuroaxonal dystrophy (NBIA2A). Also called: NEURODEGENERATION WITH BRAIN IRON ACCUMULATION 2A; SEITELBERGER DISEASE; Infantile neuroaxonal dystrophy 1. Identifiers: Orphanet 35069, MedGen C0270724, MONDO:0024457, OMIM 256600.

gnomAD v4.1: 5 of 1,551,394 alleles (0.00032%); highest among the groups gnomAD compares: East Asian, 0.0024%; no homozygotes.

Submission:

Labcorp Genetics (formerly Invitae), Labcorp
Classification: Uncertain significance for Infantile neuroaxonal dystrophy. Last evaluated: 2025-02-05. Review status: criteria provided, single submitter. Criteria: Invitae Variant Classification Sherloc (09022015). Collection method: clinical testing. Allele origin: germline.
Comment: This sequence change replaces glycine, which is neutral and non-polar, with aspartic acid, which is acidic and polar, at codon 505 of the PLA2G6 protein (p.Gly505Asp). This variant is not present in population databases (gnomAD no frequency). This variant has not been reported in the literature in individuals affected with PLA2G6-related conditions. ClinVar contains an entry for this variant (Variation ID: 1425058). Invitae Evidence Modeling of protein sequence and biophysical properties (such as structural, functional, and spatial information, amino acid conservation, physicochemical variation, residue mobility, and thermodynamic stability) indicates that this missense variant is not expected to disrupt PLA2G6 protein function with a negative predictive value of 80%. In summary, the available evidence is currently insufficient to determine the role of this variant in disease. Therefore, it has been classified as a Variant of Uncertain Significance.